The following is an entry in ClinVar:

NM_152743.4(BRAT1):c.1292A>G (p.Asp431Gly)

Gene: BRAT1 (BRCA1 associated ATM activator 1; minus strand). Cytogenetic location: 7p22.3.
Variant type: single nucleotide variant.
Coding change: c.1292A>G on transcript NM_152743.4 (MANE Select); coding-DNA position 1292, A replaced by G.
Protein change: p.Asp431Gly; replaces aspartic acid 431 with glycine.
Molecular consequence: missense variant. On other transcripts: non-coding transcript variant (1).
Genome position (GRCh38, 1-based): chr7:2,541,327, T>C on the plus strand (A>G on the coding strand, the complement: BRAT1 is on the minus strand). VCF-style: chr7-2541327-T-C. GRCh37 (hg19) VCF-style: chr7-2580961-T-C.
Other names: c.1292A>G, p.Asp431Gly (NM_001350626.2); c.767A>G, p.Asp256Gly (NM_001350627.2); short protein forms D431G, D256G.
Identifiers: ClinVar variation 647659 (VCV000647659.8), dbSNP rs1583301401, ClinGen allele CA366628987.

ClinVar aggregate classification (germline): Uncertain significance (1 of 4 stars; one submission).

Conditions:
Neonatal-onset encephalopathy with rigidity and seizures. Also called: Lethal neonatal spasticity-epileptic encephalopathy syndrome. Identifiers: Orphanet 435845, MedGen C3281029, MONDO:0013784, OMIM 614498.

Allele frequency attached by ClinVar (database versions not stated): gnomAD 0.00001; gnomAD exomes 0.00001; TOPMed 0.00001.
gnomAD v4.1: 5 of 1,600,322 alleles (0.00031%); highest among the groups gnomAD compares: African/African-American, 0.004%; 1 homozygote.

Submission:

Labcorp Genetics (formerly Invitae), Labcorp
Classification: Uncertain significance for Neonatal-onset encephalopathy with rigidity and seizures. Last evaluated: 2018-12-11. Review status: criteria provided, single submitter. Criteria: Invitae Variant Classification Sherloc (09022015). Collection method: clinical testing. Allele origin: germline.
Comment: This sequence change replaces aspartic acid with glycine at codon 431 of the BRAT1 protein (p.Asp431Gly). The aspartic acid residue is highly conserved and there is a moderate physicochemical difference between aspartic acid and glycine. This variant is not present in population databases (ExAC no frequency). This variant has not been reported in the literature in individuals with BRAT1-related conditions. Algorithms developed to predict the effect of missense changes on protein structure and function output the following: SIFT: "Deleterious"; PolyPhen-2: "Benign"; Align-GVGD: "Class C15". The glycine amino acid residue is found in multiple mammalian species, suggesting that this missense change does not adversely affect protein function. These predictions have not been confirmed by published functional studies and their clinical significance is uncertain. In summary, the available evidence is currently insufficient to determine the role of this variant in disease. Therefore, it has been classified as a Variant of Uncertain Significance.